The following is an entry in ClinVar:

NM_033026.6(PCLO):c.1511C>A (p.Pro504His)

Gene: PCLO (piccolo presynaptic cytomatrix protein; minus strand). Cytogenetic location: 7q21.11.
Variant type: single nucleotide variant.
Coding change: c.1511C>A on transcript NM_033026.6 (MANE Select); coding-DNA position 1511, C replaced by A.
Protein change: p.Pro504His; replaces proline 504 with histidine.
Molecular consequence: missense variant.
Genome position (GRCh38, 1-based): chr7:83,155,130, G>T on the plus strand (C>A on the coding strand, the complement: PCLO is on the minus strand). VCF-style: chr7-83155130-G-T. GRCh37 (hg19) VCF-style: chr7-82784446-G-T.
Other names: c.1511C>A, p.Pro504His (NM_014510.3); c.1511C>A (NM_033026.5); short protein forms P504H.
Identifiers: ClinVar variation 1444294 (VCV001444294.6), dbSNP rs748966626, ClinGen allele CA4321431.

ClinVar aggregate classification (germline): Uncertain significance. Review status: criteria provided, multiple submitters, no conflicts (2 of 4 stars). 2 submissions from 2 submitters: Uncertain significance (2). Last evaluated 2024-09-27.

Conditions:
Inborn genetic diseases. Identifiers: MedGen C0950123, MeSH D030342.

Allele frequency attached by ClinVar (database versions not stated): ExAC 0.00013; gnomAD 0.00001; TOPMed 0.00003; gnomAD exomes 0.00010.
gnomAD v4.1: 28 of 1,512,864 alleles (0.0019%); highest among the groups gnomAD compares: Admixed American, 0.05%; no homozygotes.

Submissions (2):

Ambry Genetics
Classification: Uncertain significance for Inborn genetic diseases. Last evaluated: 2024-09-27. Review status: criteria provided, single submitter. Criteria: Ambry Variant Classification Scheme 2023. Collection method: clinical testing. Allele origin: germline.

Labcorp Genetics (formerly Invitae), Labcorp
Classification: Uncertain significance. Last evaluated: 2022-07-26. Review status: criteria provided, single submitter. Criteria: Invitae Variant Classification Sherloc (09022015). Collection method: clinical testing. Allele origin: germline.
Comment: This sequence change replaces proline, which is neutral and non-polar, with histidine, which is basic and polar, at codon 504 of the PCLO protein (p.Pro504His). This variant is present in population databases (rs748966626, gnomAD 0.07%). This variant has not been reported in the literature in individuals affected with PCLO-related conditions. ClinVar contains an entry for this variant (Variation ID: 1444294). Algorithms developed to predict the effect of missense changes on protein structure and function are either unavailable or do not agree on the potential impact of this missense change (SIFT: "Deleterious"; PolyPhen-2: "Probably Damaging"; Align-GVGD: "Class C0"). In summary, the available evidence is currently insufficient to determine the role of this variant in disease. Therefore, it has been classified as a Variant of Uncertain Significance.